The following is an entry in ClinVar:

ClinVar aggregate classification (germline): Uncertain significance (1 of 4 stars; one submission).

Submission:

Labcorp Genetics (formerly Invitae), Labcorp
Classification: Uncertain significance. Last evaluated: 2023-12-06. Review status: criteria provided, single submitter. Criteria: Invitae Variant Classification Sherloc (09022015). Collection method: clinical testing. Allele origin: germline.
Comment: This sequence change replaces proline, which is neutral and non-polar, with serine, which is neutral and polar, at codon 71 of the SLC12A2 protein (p.Pro71Ser). This variant is not present in population databases (gnomAD no frequency). This variant has not been reported in the literature in individuals affected with SLC12A2-related conditions. Advanced modeling of protein sequence and biophysical properties (such as structural, functional, and spatial information, amino acid conservation, physicochemical variation, residue mobility, and thermodynamic stability) performed at Invitae indicates that this missense variant is not expected to disrupt SLC12A2 protein function with a negative predictive value of 95%. In summary, the available evidence is currently insufficient to determine the role of this variant in disease. Therefore, it has been classified as a Variant of Uncertain Significance.

NM_001046.3(SLC12A2):c.211C>T (p.Pro71Ser)

Genes: SLC12A2 (solute carrier family 12 member 2; plus strand), LOC129994526 (ATAC-STARR-seq lymphoblastoid silent region 16295; plus strand). Cytogenetic location: 5q23.3.
Variant type: single nucleotide variant.
Coding change: c.211C>T on transcript NM_001046.3 (MANE Select); coding-DNA position 211, C replaced by T.
Protein change: p.Pro71Ser; replaces proline 71 with serine.
Molecular consequence: missense variant. On other transcripts: non-coding transcript variant (1).
Genome position (GRCh38, 1-based): chr5:128,084,165, C>T. VCF-style: chr5-128084165-C-T. GRCh37 (hg19) VCF-style: chr5-127419857-C-T.
Other names: c.211C>T, p.Pro71Ser (NM_001256461.2); short protein forms P71S.
Identifiers: ClinVar variation 2970455 (VCV002970455.3), dbSNP rs867036319, ClinGen allele CA126980283.
Genomic context (GRCh38, chr5:128,084,165, plus strand): 5'-CGGGACGGCGGCGGGGTCCGCGATGAGGGCCCCGCGGCGGCCGGGGACGGGCTGGGCAGA[C>T]CCTTGGGGCCCACCCCGAGCCAGAGCCGTTTCCAGGTGGACCTGGTTTCCGAGAACGCCG-3'
Protein context (NP_001037.1, residues 61-81): PAAAGDGLGR[Pro71Ser]LGPTPSQSRF